The following is an entry in ClinVar:

ClinVar aggregate classification (germline): Benign/Likely benign. Review status: criteria provided, multiple submitters, no conflicts (2 of 4 stars). 5 submissions from 5 submitters: Benign (1); Likely benign (4). Last evaluated 2026-01-19.

Conditions:
Hereditary cancer-predisposing syndrome. Also called: Hereditary neoplastic syndrome; Neoplastic Syndromes, Hereditary; Tumor predisposition; Hereditary Cancer Syndrome. Identifiers: Orphanet 140162, MedGen C0027672, MeSH D009386, MONDO:0015356.
Fanconi anemia complementation group J. Also called: BRIP1-Related Fanconi Anemia. Identifiers: Orphanet 84, MedGen C1836860, MONDO:0012187, OMIM 609054.
Familial cancer of breast. Also called: BREAST CANCER, FAMILIAL; hereditary breast carcinoma; Hereditary breast cancer. Identifiers: Orphanet 227535, MedGen C0346153, MONDO:0016419, OMIM 114480. Disease mechanism: loss of function.

Allele frequency attached by ClinVar (database versions not stated): gnomAD exomes below 0.00001.
gnomAD v4.1: 4 of 1,614,060 alleles (0.00025%); highest among the groups gnomAD compares: Non-Finnish European, 0.00017%; no homozygotes.

Submissions (5):

Labcorp Genetics (formerly Invitae), Labcorp
Classification: Likely benign for Familial cancer of breast; Fanconi anemia complementation group J. Last evaluated: 2026-01-19. Review status: criteria provided, single submitter. Criteria: Invitae Variant Classification Sherloc (09022015). Collection method: clinical testing. Allele origin: germline.

Myriad Genetics, Inc.
Classification: Benign for Familial cancer of breast. Last evaluated: 2024-08-22. Review status: criteria provided, single submitter. Criteria: Myriad Autosomal Dominant, Autosomal Recessive and X-Linked Classification Criteria (2023). Collection method: clinical testing. Allele origin: unknown.
Comment: This variant is considered benign. This variant is a silent/synonymous amino acid change and it is not expected to impact splicing.

Color Diagnostics, LLC DBA Color Health
Classification: Likely benign for Hereditary cancer-predisposing syndrome. Last evaluated: 2018-06-25. Review status: criteria provided, single submitter. Criteria: ACMG Guidelines, 2015. Collection method: clinical testing. Allele origin: germline.

Ambry Genetics
Classification: Likely benign for Hereditary cancer-predisposing syndrome. Last evaluated: 2018-04-11. Review status: criteria provided, single submitter. Criteria: Ambry Variant Classification Scheme 2023. Collection method: clinical testing. Allele origin: germline.

GeneDx
Classification: Likely benign. Last evaluated: 2017-02-21. Review status: criteria provided, single submitter. Criteria: GeneDx Variant Classification (06012015). Collection method: clinical testing. Allele origin: germline. Affected: yes.
Comment: This variant is considered likely benign or benign based on one or more of the following criteria: it is a conservative change, it occurs at a poorly conserved position in the protein, it is predicted to be benign by multiple in silico algorithms, and/or has population frequency not consistent with disease.

NM_032043.3(BRIP1):c.1041A>G (p.Leu347=)

Gene: BRIP1 (BRCA1 interacting DNA helicase 1; minus strand). Cytogenetic location: 17q23.2.
Variant type: single nucleotide variant.
Coding change: c.1041A>G on transcript NM_032043.3 (MANE Select); coding-DNA position 1041, A replaced by G.
Protein change: p.Leu347=; no amino-acid change (leucine 347 retained).
Molecular consequence: synonymous variant.
Genome position (GRCh38, 1-based): chr17:61,801,352, T>C on the plus strand (A>G on the coding strand, the complement: BRIP1 is on the minus strand). VCF-style: chr17-61801352-T-C. GRCh37 (hg19) VCF-style: chr17-59878713-T-C.
Identifiers: ClinVar variation 461057 (VCV000461057.17), dbSNP rs1555607724, ClinGen allele CA501151899.
Genomic context (GRCh38, chr17:61,801,352, plus strand): 5'-ACAAAATATGATGTCAGCATCTTGTATTAGTTCTCGGGCTGTGTAATATGGACAGGCCTT[T>C]AGTTTCTTCCCCAGGCTGACAAGTTCTTCTATATCCCAGGCTTTGCACATCCCTTGGAAA-3'
Protein context (NP_114432.2, residues 337-357): IEELVSLGKK[Leu347=]KACPYYTARE